The following is an entry in ClinVar:

NM_002180.3(IGHMBP2):c.2668G>A (p.Ala890Thr)

Gene: IGHMBP2 (immunoglobulin mu DNA binding protein 2; plus strand). Cytogenetic location: 11q13.3.
Variant type: single nucleotide variant.
Coding change: c.2668G>A on transcript NM_002180.3 (MANE Select); coding-DNA position 2668, G replaced by A.
Protein change: p.Ala890Thr; replaces alanine 890 with threonine.
Molecular consequence: missense variant.
Genome position (GRCh38, 1-based): chr11:68,938,238, G>A. VCF-style: chr11-68938238-G-A. GRCh37 (hg19) VCF-style: chr11-68705706-G-A.
Other names: short protein forms A890T.
Identifiers: ClinVar variation 506812 (VCV000506812.15), dbSNP rs138607722, ClinGen allele CA6153980.

ClinVar aggregate classification (germline): Conflicting classifications of pathogenicity. Review status: criteria provided, conflicting classifications (1 of 4 stars). 5 submissions from 5 submitters: Uncertain significance (3); Likely benign (2). Last evaluated 2025-10-27.

Conditions:
Inborn genetic diseases. Identifiers: MedGen C0950123, MeSH D030342.
Charcot-Marie-Tooth disease axonal type 2S. Also called: CHARCOT-MARIE-TOOTH NEUROPATHY, TYPE 2S; CHARCOT-MARIE-TOOTH DISEASE, AXONAL, AUTOSOMAL RECESSIVE, TYPE 2S. Identifiers: Orphanet 443073, MedGen C4015349, MONDO:0014511, OMIM 616155.
Autosomal recessive distal spinal muscular atrophy 1. Also called: HMN VI; NEURONOPATHY, SEVERE INFANTILE AXONAL, WITH RESPIRATORY FAILURE; SEVERE INFANTILE AXONAL NEUROPATHY WITH RESPIRATORY FAILURE; SPINAL MUSCULAR ATROPHY, DIAPHRAGMATIC; Spinal muscular atrophy with respiratory distress 1; NEURONOPATHY, DISTAL HEREDITARY MOTOR, HARDING TYPE VI. Identifiers: Orphanet 98920, MedGen C1858517, MONDO:0011436, OMIM 604320.

Allele frequency attached by ClinVar (database versions not stated): gnomAD exomes 0.00001 and 0.00002; ExAC 0.00002; gnomAD 0.00005 and 0.00006; ESP Exome Variant Server 0.00008; TOPMed 0.00008.
gnomAD v4.1: 24 of 1,613,928 alleles (0.0015%); highest among the groups gnomAD compares: African/African-American, 0.019%; 1 homozygote.

Submissions (5):

Women's Health and Genetics/Laboratory Corporation of America, LabCorp
Classification: Uncertain significance. Last evaluated: 2025-10-27. Review status: criteria provided, single submitter. Criteria: LabCorp Variant Classification Summary - May 2015. Collection method: clinical testing. Allele origin: germline.
Comment: Variant summary: IGHMBP2 c.2668G>A (p.Ala890Thr) results in a non-conservative amino acid change in the encoded protein sequence. Algorithms developed to predict the effect of missense changes on protein structure and function are either unavailable or do not agree on the potential impact of this missense change. The variant allele was found at a frequency of 2.4e-05 in 251396 control chromosomes, predominantly at a frequency of 0.00031 within the African or African-American subpopulation in the gnomAD database, including 1 homozygotes. The available data on variant occurrences in the general population are insufficient to allow any conclusion about variant significance. To our knowledge, no occurrence of c.2668G>A in individuals affected with IGHMBP2-related conditions and no experimental evidence demonstrating its impact on protein function have been reported. ClinVar contains an entry for this variant (Variation ID: 506812). Based on the evidence outlined above, the variant was classified as VUS-possibly benign.

Ambry Genetics
Classification: Uncertain significance for Inborn genetic diseases. Last evaluated: 2025-08-24. Review status: criteria provided, single submitter. Criteria: Ambry Variant Classification Scheme 2023. Collection method: clinical testing. Allele origin: germline.

Labcorp Genetics (formerly Invitae), Labcorp
Classification: Likely benign for Autosomal recessive distal spinal muscular atrophy 1; Charcot-Marie-Tooth disease axonal type 2S. Last evaluated: 2025-04-13. Review status: criteria provided, single submitter. Criteria: Invitae Variant Classification Sherloc (09022015). Collection method: clinical testing. Allele origin: germline.

Revvity Omics, Revvity
Classification: Uncertain significance. Last evaluated: 2020-02-26. Review status: criteria provided, single submitter. Criteria: ACMG Guidelines, 2015. Collection method: clinical testing. Allele origin: germline.

GeneDx
Classification: Likely benign. Last evaluated: 2018-01-26. Review status: criteria provided, single submitter. Criteria: GeneDx Variant Classification (06012015). Collection method: clinical testing. Allele origin: germline. Affected: yes.
Comment: This variant is considered likely benign or benign based on one or more of the following criteria: it is a conservative change, it occurs at a poorly conserved position in the protein, it is predicted to be benign by multiple in silico algorithms, and/or has population frequency not consistent with disease.